The following is an entry in ClinVar:

ClinVar aggregate classification (germline): Uncertain significance (1 of 4 stars; one submission).

Conditions:
Congenital myasthenic syndrome 2C. Also called: Myasthenic syndrome, congenital, 2C, associated with acetylcholine receptor deficiency. Identifiers: Orphanet 590, MedGen C4225373, MONDO:0014582, OMIM 616314.

Allele frequency attached by ClinVar (database versions not stated): gnomAD exomes below 0.00001.

Submission:

Neuberg Centre For Genomic Medicine, NCGM
Classification: Uncertain significance for Congenital myasthenic syndrome 2C. Review status: criteria provided, single submitter. Criteria: ACMG Guidelines, 2015. Collection method: clinical testing. Allele origin: germline. Inheritance: Autosomal recessive inheritance. Affected: yes.
Comment: The missense variant c.442C>T (p.Arg148Cys) in CHRNB1 gene has not been reported previously as a pathogenic variant nor as a benign variant, to our knowledge. The variant is novel (not in any individuals) in gnomAD Exomes and 1000 Genomes. The amino acid Arg at position 148 is changed to a Cys changing protein sequence and it might alter its composition and physico-chemical properties. The amino acid change p.Arg148Cys in CHRNB1 is predicted as conserved by GERP++ and PhyloP across 100 vertebrates. For these reasons, this variant has been classified as Uncertain significance.

NM_000747.3(CHRNB1):c.442C>T (p.Arg148Cys)

Gene: CHRNB1 (cholinergic receptor nicotinic beta 1 subunit; plus strand). Cytogenetic location: 17p13.1.
Variant type: single nucleotide variant.
Coding change: c.442C>T on transcript NM_000747.3 (MANE Select); coding-DNA position 442, C replaced by T.
Protein change: p.Arg148Cys; replaces arginine 148 with cysteine.
Molecular consequence: missense variant.
Genome position (GRCh38, 1-based): chr17:7,447,131, C>T. VCF-style: chr17-7447131-C-T. GRCh37 (hg19) VCF-style: chr17-7350450-C-T.
Other names: short protein forms R148C.
Identifiers: ClinVar variation 2584996 (VCV002584996.1), dbSNP rs2507854449, ClinGen allele CA397791872.